The following is an entry in ClinVar:

ClinVar aggregate classification (germline): Uncertain significance (1 of 4 stars; one submission).

Conditions:
Inborn genetic diseases. Identifiers: MedGen C0950123, MeSH D030342.

Allele frequency attached by ClinVar (database versions not stated): ExAC 0.00001; ESP Exome Variant Server 0.00008.

Submission:

Ambry Genetics
Classification: Uncertain significance for Inborn genetic diseases. Last evaluated: 2022-11-19. Review status: criteria provided, single submitter. Criteria: Ambry Variant Classification Scheme 2023. Collection method: clinical testing. Allele origin: germline.
Comment: The p.V237M variant (also known as c.709G>A), located in coding exon 7 of the MDH2 gene, results from a G to A substitution at nucleotide position 709. The valine at codon 237 is replaced by methionine, an amino acid with highly similar properties. This amino acid position is conserved. In addition, this alteration is predicted to be deleterious by in silico analysis. Since supporting evidence is limited at this time, the clinical significance of this alteration remains unclear.

NM_005918.4(MDH2):c.709G>A (p.Val237Met)

Gene: MDH2 (malate dehydrogenase 2; plus strand). Cytogenetic location: 7q11.23.
Variant type: single nucleotide variant.
Coding change: c.709G>A on transcript NM_005918.4 (MANE Select); coding-DNA position 709, G replaced by A.
Protein change: p.Val237Met; replaces valine 237 with methionine.
Molecular consequence: missense variant.
Genome position (GRCh38, 1-based): chr7:76,064,414, G>A. VCF-style: chr7-76064414-G-A. GRCh37 (hg19) VCF-style: chr7-75693732-G-A.
Other names: c.583G>A, p.Val195Met (NM_001282403.2); c.388G>A, p.Val130Met (NM_001282404.2); short protein forms V237M, V195M, V130M.
Identifiers: ClinVar variation 2447832 (VCV002447832.2), dbSNP rs147530406, ClinGen allele CA4305660.